The following is an entry in ClinVar:

NM_001085487.3(MYSM1):c.2153A>G (p.Asp718Gly)

Gene: MYSM1 (Myb like, SWIRM and MPN domains 1; minus strand). Cytogenetic location: 1p32.1.
Variant type: single nucleotide variant.
Coding change: c.2153A>G on transcript NM_001085487.3 (MANE Select); coding-DNA position 2153, A replaced by G.
Protein change: p.Asp718Gly; replaces aspartic acid 718 with glycine.
Molecular consequence: missense variant.
Genome position (GRCh38, 1-based): chr1:58,665,510, T>C on the plus strand (A>G on the coding strand, the complement: MYSM1 is on the minus strand). VCF-style: chr1-58665510-T-C. GRCh37 (hg19) VCF-style: chr1-59131182-T-C.
Other names: short protein forms D718G.
Identifiers: ClinVar variation 3692260 (VCV003692260.2).

ClinVar aggregate classification (germline): Uncertain significance (1 of 4 stars; one submission).

Submission:

Labcorp Genetics (formerly Invitae), Labcorp
Classification: Uncertain significance. Last evaluated: 2025-06-23. Review status: criteria provided, single submitter. Criteria: Invitae Variant Classification Sherloc (09022015). Collection method: clinical testing. Allele origin: germline.
Comment: This sequence change replaces aspartic acid, which is acidic and polar, with glycine, which is neutral and non-polar, at codon 718 of the MYSM1 protein (p.Asp718Gly). This variant is not present in population databases (gnomAD no frequency). This variant has not been reported in the literature in individuals affected with MYSM1-related conditions. ClinVar contains an entry for this variant (Variation ID: 3692260). Invitae Evidence Modeling of protein sequence and biophysical properties (such as structural, functional, and spatial information, amino acid conservation, physicochemical variation, residue mobility, and thermodynamic stability) indicates that this missense variant is not expected to disrupt MYSM1 protein function with a negative predictive value of 80%. In summary, the available evidence is currently insufficient to determine the role of this variant in disease. Therefore, it has been classified as a Variant of Uncertain Significance.